The following is an entry in ClinVar:

ClinVar aggregate classification (germline): Likely benign (1 of 4 stars; one submission).

Conditions:
CHD1L-related disorder. Also called: CHD1L-related condition.

gnomAD v4.1: 34 of 1,613,534 alleles (0.0021%); highest among the groups gnomAD compares: South Asian, 0.0077%; 1 homozygote.

Submission:

PreventionGenetics, part of Exact Sciences
Classification: Likely benign for CHD1L-related condition. Last evaluated: 2026-06-17. Review status: criteria provided, single submitter. Criteria: ACMG Guidelines, 2015. Collection method: clinical testing. Allele origin: germline.
Comment: This variant is classified as likely benign based on ACMG/AMP sequence variant interpretation guidelines (Richards et al. 2015 PMID: 25741868, with internal and published modifications).

NM_004284.6(CHD1L):c.853T>C (p.Leu285=)

Gene: CHD1L (chromodomain helicase DNA binding protein 1 like; plus strand). Cytogenetic location: 1q21.1.
Variant type: single nucleotide variant.
Coding change: c.853T>C on transcript NM_004284.6 (MANE Select); coding-DNA position 853, T replaced by C.
Protein change: p.Leu285=; no amino-acid change (leucine 285 retained).
Molecular consequence: synonymous variant. On other transcripts: non-coding transcript variant (15).
Genome position (GRCh38, 1-based): chr1:147,266,045, T>C. VCF-style: chr1-147266045-T-C. GRCh37 (hg19) VCF-style: chr1-146737704-T-C.
Other names: c.553T>C, p.Leu185= (NM_001256336.3); c.10T>C, p.Leu4= (NM_001256337.3, NM_001348456.2, NM_001348457.2 and 9 more transcripts); c.241T>C, p.Leu81= (NM_001256338.3); c.637T>C, p.Leu213= (NM_001348451.2, NM_001348452.2); c.514T>C, p.Leu172= (NM_001348453.2, NM_024568.4); c.397T>C, p.Leu133= (NM_001348454.2); c.364T>C, p.Leu122= (NM_001348455.2).
Identifiers: ClinVar variation 4982337 (VCV004982337.1).